The following is an entry in ClinVar:

NM_001792.5(CDH2):c.2167G>A (p.Gly723Ser)

Gene: CDH2 (cadherin 2; minus strand). Cytogenetic location: 18q12.1.
Variant type: single nucleotide variant.
Coding change: c.2167G>A on transcript NM_001792.5 (MANE Select); coding-DNA position 2167, G replaced by A.
Protein change: p.Gly723Ser; replaces glycine 723 with serine.
Molecular consequence: missense variant.
Genome position (GRCh38, 1-based): chr18:27,985,042, C>T on the plus strand (G>A on the coding strand, the complement: CDH2 is on the minus strand). VCF-style: chr18-27985042-C-T. GRCh37 (hg19) VCF-style: chr18-25565006-C-T.
Other names: c.2074G>A, p.Gly692Ser (NM_001308176.2); short protein forms G692S, G723S.
Identifiers: ClinVar variation 2070076 (VCV002070076.4), dbSNP rs151110746, ClinGen allele CA8923222.
Genomic context (GRCh38, chr18:27,985,042, plus strand): 5'-GACAATAAAAGTACTCACTAAGCAGGATGATGATGCAGAGCAGGATGGCAATGATGGCAC[C>T]GGTGCCAAGCCCCGCACCCACAATCCTGTCCACATCTGTGCAGTCCCCGTTGGAGTCACA-3'
Protein context (NP_001783.2, residues 713-733): DRIVGAGLGT[Gly723Ser]AIIAILLCII

ClinVar aggregate classification (germline): Uncertain significance (1 of 4 stars; one submission).

Allele frequency attached by ClinVar (database versions not stated): gnomAD 0.00001; gnomAD exomes 0.00004; TOPMed 0.00004; ExAC 0.00005; ESP Exome Variant Server 0.00015.
gnomAD v4.1: 54 of 1,613,850 alleles (0.0033%); highest among the groups gnomAD compares: East Asian, 0.0067%; no homozygotes.

Submission:

Labcorp Genetics (formerly Invitae), Labcorp
Classification: Uncertain significance. Last evaluated: 2025-08-25. Review status: criteria provided, single submitter. Criteria: Invitae Variant Classification Sherloc (09022015). Collection method: clinical testing. Allele origin: germline.
Comment: This sequence change replaces glycine, which is neutral and non-polar, with serine, which is neutral and polar, at codon 723 of the CDH2 protein (p.Gly723Ser). This variant is present in population databases (rs151110746, gnomAD 0.006%). This missense change has been observed in individual(s) with arrhythmogenic cardiomyopathy (PMID: 33566628). ClinVar contains an entry for this variant (Variation ID: 2070076). An algorithm developed to predict the effect of missense changes on protein structure and function (PolyPhen-2) suggests that this variant is likely to be tolerated. In summary, the available evidence is currently insufficient to determine the role of this variant in disease. Therefore, it has been classified as a Variant of Uncertain Significance.

Literature cited by the submitters: PubMed 33566628.